The following is an entry in ClinVar:

ClinVar aggregate classification (germline): Uncertain significance (1 of 4 stars; one submission).

Submission:

GeneDx
Classification: Uncertain significance. Last evaluated: 2024-09-03. Review status: criteria provided, single submitter. Criteria: GeneDx Variant Classification Process June 2021. Collection method: clinical testing. Allele origin: germline. Affected: yes.
Comment: Not observed at significant frequency in large population cohorts (gnomAD); In silico analysis indicates that this missense variant does not alter protein structure/function; Has not been previously published as pathogenic or benign to our knowledge

NM_138694.4(PKHD1):c.11953G>T (p.Gly3985Cys)

Gene: PKHD1 (PKHD1 ciliary IPT domain containing fibrocystin/polyductin; minus strand). Cytogenetic location: 6p12.3.
Variant type: single nucleotide variant.
Coding change: c.11953G>T on transcript NM_138694.4 (MANE Select); coding-DNA position 11953, G replaced by T.
Protein change: p.Gly3985Cys; replaces glycine 3985 with cysteine.
Molecular consequence: missense variant.
Genome position (GRCh38, 1-based): chr6:51,619,353, C>A on the plus strand (G>T on the coding strand, the complement: PKHD1 is on the minus strand). VCF-style: chr6-51619353-C-A. GRCh37 (hg19) VCF-style: chr6-51484151-C-A.
Other names: short protein forms G3985C.
Identifiers: ClinVar variation 3766337 (VCV003766337.1).